The following is an entry in ClinVar:

NM_005045.4(RELN):c.9394T>G (p.Ser3132Ala)

Genes: SLC26A5-AS1 (SLC26A5 antisense RNA 1; plus strand), RELN (reelin; minus strand). Cytogenetic location: 7q22.1.
Variant type: single nucleotide variant.
Coding change: c.9394T>G on transcript NM_005045.4 (MANE Select); coding-DNA position 9394, T replaced by G.
Protein change: p.Ser3132Ala; replaces serine 3132 with alanine.
Molecular consequence: missense variant.
Genome position (GRCh38, 1-based): chr7:103,492,002, A>C on the plus strand (T>G on the coding strand, the complement: RELN is on the minus strand). VCF-style: chr7-103492002-A-C. GRCh37 (hg19) VCF-style: chr7-103132449-A-C.
Other names: c.9394T>G, p.Ser3132Ala (NM_173054.3); short protein forms S3132A.
Identifiers: ClinVar variation 1461165 (VCV001461165.8), dbSNP rs2117007337, ClinGen allele CA368746736.

ClinVar aggregate classification (germline): Uncertain significance (1 of 4 stars; one submission).

Conditions:
Norman-Roberts syndrome (LIS2). Also called: Lissencephaly 2 (Norman-Roberts type). Identifiers: Orphanet 89844, MedGen C0796089, MONDO:0009760, OMIM 257320.
Familial temporal lobe epilepsy 7. Identifiers: Orphanet 101046, MedGen C4225327, MONDO:0014639, OMIM 616436.

Submission:

Labcorp Genetics (formerly Invitae), Labcorp
Classification: Uncertain significance for Familial temporal lobe epilepsy 7; Norman-Roberts syndrome. Last evaluated: 2021-01-15. Review status: criteria provided, single submitter. Criteria: Invitae Variant Classification Sherloc (09022015). Collection method: clinical testing. Allele origin: germline.
Comment: In summary, the available evidence is currently insufficient to determine the role of this variant in disease. Therefore, it has been classified as a Variant of Uncertain Significance. Algorithms developed to predict the effect of missense changes on protein structure and function are either unavailable or do not agree on the potential impact of this missense change (SIFT: "Deleterious"; PolyPhen-2: "Benign"; Align-GVGD: "Class C0"). This variant has not been reported in the literature in individuals with RELN-related conditions. This variant is not present in population databases (ExAC no frequency). This sequence change replaces serine with alanine at codon 3132 of the RELN protein (p.Ser3132Ala). The serine residue is moderately conserved and there is a moderate physicochemical difference between serine and alanine.